The following is an entry in ClinVar:

NM_153638.4(PANK2):c.280C>G (p.Arg94Gly)

Genes: PANK2 (pantothenate kinase 2; plus strand), LOC130065345 (ATAC-STARR-seq lymphoblastoid silent region 12635; plus strand). Cytogenetic location: 20p13.
Variant type: single nucleotide variant.
Coding change: c.280C>G on transcript NM_153638.4; coding-DNA position 280, C replaced by G.
Protein change: p.Arg94Gly; replaces arginine 94 with glycine.
Molecular consequence: missense variant. On other transcripts: intron variant (1).
Genome position (GRCh38, 1-based): chr20:3,889,380, C>G. VCF-style: chr20-3889380-C-G. GRCh37 (hg19) VCF-style: chr20-3870027-C-G.
Other names: c.280C>G (NM_153638.3); c.280C>G, p.Arg94Gly (NM_001324192.1); c.-246+476C>G (NM_024960.6); short protein forms R94G.
Identifiers: ClinVar variation 289953 (VCV000289953.34), dbSNP rs199680057, ClinGen allele CA9750523.
Genomic context (GRCh38, chr20:3,889,380, plus strand): 5'-GCCTCGTCGGATTGGCTTCCTGCGCGTTGGCGCAACGGAAGAGGCGGCCGGCCGAGGGCG[C>G]GCCTCTGCTCTGGCTGGACTGCCGCGGAGGAGGCGAGAAGGAATCCGACGCTGGGGGGCT-3'

ClinVar aggregate classification (germline): Conflicting classifications of pathogenicity. Review status: criteria provided, conflicting classifications (1 of 4 stars). 7 submissions from 7 submitters: Uncertain significance (3); Likely benign (3). 1 of the submissions does not count toward it. Last evaluated 2026-05-01.

Conditions:
PANK2-related disorder. Also called: PANK2-related condition.
Pigmentary pallidal degeneration (NBIA1). Also called: PKAN NEUROAXONAL DYSTROPHY, JUVENILE-ONSET; HARP SYNDROME; Pantothenate Kinase-Associated Neurodegeneration; Neuroaxonal dystrophy, late infantile; Hallervorden-Spatz disease; Neurodegeneration with brain iron accumulation 1. Identifiers: Orphanet 157850, MedGen C0018523, MONDO:0009319, OMIM 234200.

Allele frequency attached by ClinVar (database versions not stated): 1000 Genomes Project 30x 0.00141; 1000 Genomes Project 0.00080; gnomAD 0.00022 and 0.00015; TOPMed 0.00040.
gnomAD v4.1: 254 of 1,574,680 alleles (0.016%); highest among the groups gnomAD compares: East Asian, 0.52%; 1 homozygote.

Submissions (7):

CeGaT Center for Human Genetics Tuebingen
Classification: Uncertain significance. Last evaluated: 2026-05-01. Review status: criteria provided, single submitter. Criteria: CeGaT Center For Human Genetics Tuebingen Variant Classification Criteria Version 2. Collection method: clinical testing. Allele origin: germline. Affected: yes. Observed: 1 variant allele.

Labcorp Genetics (formerly Invitae), Labcorp
Classification: Likely benign for Pigmentary pallidal degeneration. Last evaluated: 2026-01-24. Review status: criteria provided, single submitter. Criteria: Invitae Variant Classification Sherloc (09022015). Collection method: clinical testing. Allele origin: germline.

Blueprint Genetics
Classification: Likely benign. Last evaluated: 2024-07-12. Review status: criteria provided, single submitter. Criteria: ACMG Guidelines, 2015. Collection method: clinical testing. Allele origin: germline.

Department of Neurology, Xijing Hospital, Fourth Military Medical University
Classification: Uncertain significance for Pigmentary pallidal degeneration. Last evaluated: 2022-03-01. Review status: criteria provided, single submitter. Criteria: ACMG Guidelines, 2015. Collection method: clinical testing. Allele origin: germline.

Illumina Laboratory Services, Illumina
Classification: Likely benign for Pigmentary pallidal degeneration. Last evaluated: 2017-04-27. Review status: criteria provided, single submitter. Criteria: ICSL Variant Classification Criteria 13 December 2019. Collection method: clinical testing. Allele origin: germline.
Comment: This variant was observed as part of a predisposition screen in an ostensibly healthy population. A literature search was performed for the gene, cDNA change, and amino acid change (where applicable). No publications were found based on this search. Allele frequency data from public databases allowed determination this variant is unlikely to cause disease. Therefore, this variant is classified as likely benign.

Eurofins Ntd Llc (ga)
Classification: Uncertain significance. Last evaluated: 2016-08-01. Review status: criteria provided, single submitter. Criteria: EGL Classification Definitions 2015. Collection method: clinical testing. Allele origin: germline. Observed: 1 variant allele, 1 heterozygote.

PreventionGenetics, part of Exact Sciences
Classification: Likely benign for PANK2-related condition. Last evaluated: 2020-03-18. Review status: no assertion criteria provided. Collection method: clinical testing. Allele origin: germline. Not counted in ClinVar's aggregate classification.
Comment: This variant is classified as likely benign based on ACMG/AMP sequence variant interpretation guidelines (Richards et al. 2015 PMID: 25741868, with internal and published modifications).